The following is an entry in ClinVar:

NM_000095.3(COMP):c.545A>G (p.Asn182Ser)

Gene: COMP (cartilage oligomeric matrix protein; minus strand). Cytogenetic location: 19p13.11.
Variant type: single nucleotide variant.
Coding change: c.545A>G on transcript NM_000095.3 (MANE Select); coding-DNA position 545, A replaced by G.
Protein change: p.Asn182Ser; replaces asparagine 182 with serine.
Molecular consequence: missense variant.
Genome position (GRCh38, 1-based): chr19:18,788,897, T>C on the plus strand (A>G on the coding strand, the complement: COMP is on the minus strand). VCF-style: chr19-18788897-T-C. GRCh37 (hg19) VCF-style: chr19-18899706-T-C.
Other names: short protein forms N182S.
Identifiers: ClinVar variation 4771261 (VCV004771261.1).

ClinVar aggregate classification (germline): Uncertain significance (1 of 4 stars; one submission).

Submission:

Labcorp Genetics (formerly Invitae), Labcorp
Classification: Uncertain significance. Last evaluated: 2025-09-01. Review status: criteria provided, single submitter. Criteria: Invitae Variant Classification Sherloc (09022015). Collection method: clinical testing. Allele origin: germline.
Comment: This sequence change replaces asparagine, which is neutral and polar, with serine, which is neutral and polar, at codon 182 of the COMP protein (p.Asn182Ser). This variant is not present in population databases (gnomAD no frequency). This variant has not been reported in the literature in individuals affected with COMP-related conditions. Invitae Evidence Modeling of protein sequence and biophysical properties (such as structural, functional, and spatial information, amino acid conservation, physicochemical variation, residue mobility, and thermodynamic stability) indicates that this missense variant is not expected to disrupt COMP protein function with a negative predictive value of 80%. In summary, the available evidence is currently insufficient to determine the role of this variant in disease. Therefore, it has been classified as a Variant of Uncertain Significance.